The following is an entry in ClinVar:

ClinVar aggregate classification (germline): Pathogenic/Likely pathogenic. Review status: criteria provided, multiple submitters, no conflicts (2 of 4 stars). 2 submissions from 2 submitters: Pathogenic (1); Likely pathogenic (1). Last evaluated 2023-06-25.

Conditions:
Neuromuscular disease caused by qualitative or quantitative defects of dysferlin. Also called: Qualitative or quantitative defects of dysferlin; Dysferlinopathy. Identifiers: Orphanet 207073, MedGen C2931687, MONDO:0016145.
Autosomal recessive limb-girdle muscular dystrophy. Identifiers: Orphanet 102015, MedGen C2931907, MONDO:0015152.

Submissions (2):

Labcorp Genetics (formerly Invitae), Labcorp
Classification: Pathogenic for Neuromuscular disease caused by qualitative or quantitative defects of dysferlin. Last evaluated: 2023-06-25. Review status: criteria provided, single submitter. Criteria: Invitae Variant Classification Sherloc (09022015). Collection method: clinical testing. Allele origin: germline.
Comment: For these reasons, this variant has been classified as Pathogenic. ClinVar contains an entry for this variant (Variation ID: 983958). This variant has not been reported in the literature in individuals affected with DYSF-related conditions. This variant is not present in population databases (gnomAD no frequency). This sequence change creates a premature translational stop signal (p.Trp994*) in the DYSF gene. It is expected to result in an absent or disrupted protein product. Loss-of-function variants in DYSF are known to be pathogenic (PMID: 17698709, 20301480).

Myriad Genetics, Inc.
Classification: Likely pathogenic for Autosomal recessive limb-girdle muscular dystrophy. Last evaluated: 2019-09-30. Review status: criteria provided, single submitter. Criteria: Myriad Autosomal Dominant, Autosomal Recessive and X-Linked Classification Criteria (2023). Collection method: clinical testing. Allele origin: unknown.
Comment: NM_003494.3(DYSF):c.2981G>A(W994*) is expected to be pathogenic in the context of dysferlinopathy. This variant is predicted to lead to an abnormal or absent protein product due to the creation of a premature termination codon in DYSF, a gene where loss-of-function variants are known to be pathogenic. Please note: this variant was assessed in the context of healthy population screening.

Literature cited by the submitters: PubMed 17698709 (cited by Labcorp Genetics (formerly Invitae), Labcorp); PubMed 20301480 (cited by Labcorp Genetics (formerly Invitae), Labcorp).

NM_001130987.2(DYSF):c.3035G>A (p.Trp1012Ter)

Gene: DYSF (dysferlin; plus strand). Cytogenetic location: 2p13.2.
Variant type: single nucleotide variant.
Coding change: c.3035G>A on transcript NM_001130987.2 (MANE Select); coding-DNA position 3035, G replaced by A.
Protein change: p.Trp1012Ter; replaces tryptophan 1012 with a stop codon.
Molecular consequence: nonsense.
Genome position (GRCh38, 1-based): chr2:71,570,284, G>A. VCF-style: chr2-71570284-G-A. GRCh37 (hg19) VCF-style: chr2-71797414-G-A.
Other names: c.2984G>A, p.Trp995Ter (NM_001130455.2, NM_001130983.2); c.2939G>A, p.Trp980Ter (NM_001130976.2, NM_001130977.2); c.2981G>A, p.Trp994Ter (NM_001130978.2, NM_003494.4); c.3074G>A, p.Trp1025Ter (NM_001130979.2); c.3032G>A, p.Trp1011Ter (NM_001130980.2, NM_001130981.2); c.3077G>A, p.Trp1026Ter (NM_001130982.2); c.2942G>A, p.Trp981Ter (NM_001130984.2, NM_001130986.2); c.3035G>A, p.Trp1012Ter (NM_001130985.2); short protein forms W1011*, W1012*, W1025*, W1026*, W980*, W981*, W994*, W995*.
Identifiers: ClinVar variation 983958 (VCV000983958.7), dbSNP rs2092343409, ClinGen allele CA347216541.
Genomic context (GRCh38, chr2:71,570,284, plus strand): 5'-CTTAGAACGGGGAGAAGGTGCTTCCCAAGGATGACATTGAGTGCCCACTGGGCTGGAAGT[G>A]GGAAGATGAGGAATGGTCCACAGACCTCAACCGGGCTGTCGATGAGCAAGGTGGGCAGCA-3'